The following is an entry in ClinVar:

NM_207391.3(RGS9BP):c.380_381delinsTT (p.Arg127Leu)

Gene: RGS9BP (regulator of G protein signaling 9 binding protein; plus strand). Cytogenetic location: 19q13.11.
Variant type: Indel.
Coding change: c.380_381delinsTT on transcript NM_207391.3 (MANE Select); coding-DNA positions 380 to 381, GC replaced by TT.
Protein change: p.Arg127Leu; replaces arginine 127 with leucine.
Molecular consequence: missense variant.
Genome position (GRCh38, 1-based): chr19:32,676,643-32,676,644, GC replaced by TT. VCF-style: chr19-32676643-GC-TT. GRCh37 (hg19) VCF-style: chr19-33167549-GC-TT.
Other names: short protein forms R127L.
Identifiers: ClinVar variation 2040829 (VCV002040829.4), dbSNP rs2513249544, ClinGen allele CA2580096781.

ClinVar aggregate classification (germline): Uncertain significance (1 of 4 stars; one submission).

Submission:

Labcorp Genetics (formerly Invitae), Labcorp
Classification: Uncertain significance. Last evaluated: 2022-06-04. Review status: criteria provided, single submitter. Criteria: Invitae Variant Classification Sherloc (09022015). Collection method: clinical testing. Allele origin: germline.
Comment: This sequence change replaces arginine, which is basic and polar, with leucine, which is neutral and non-polar, at codon 127 of the RGS9BP protein (p.Arg127Leu). Information on the frequency of this variant in the gnomAD database is not available, as this variant may be reported differently in the database. This variant has not been reported in the literature in individuals affected with RGS9BP-related conditions. Algorithms developed to predict the effect of missense changes on protein structure and function are either unavailable or do not agree on the potential impact of this missense change (SIFT: "Not Available"; PolyPhen-2: "Probably Damaging"; Align-GVGD: "Not Available"). In summary, the available evidence is currently insufficient to determine the role of this variant in disease. Therefore, it has been classified as a Variant of Uncertain Significance.